The following is an entry in ClinVar:

ClinVar aggregate classification (germline): Uncertain significance (1 of 4 stars; one submission).

Allele frequency attached by ClinVar (database versions not stated): ESP Exome Variant Server 0.00022; TOPMed 0.00002.
gnomAD v4.1: 31 of 1,551,632 alleles (0.002%); highest among the groups gnomAD compares: African/African-American, 0.0027%; no homozygotes.

Submission:

GeneDx
Classification: Uncertain significance. Last evaluated: 2017-08-03. Review status: criteria provided, single submitter. Criteria: GeneDx Variant Classification (06012015). Collection method: clinical testing. Allele origin: germline. Affected: yes.
Comment: A variant of uncertain significance has been identified in the SHANK2 gene. The R227H variant has not been published as a pathogenic variant, nor has it been reported as a benign variant to our knowledge. The R227H variant is not observed at significant frequency in large population cohorts (Lek et al., 2016; 1000 Genomes Consortium et al., 2015; Exome Variant Server). This substitution occurs at a position that is conserved across species. In silico analysis predicts this variant is probably damaging to the protein structure/function. However, the R227H variant is a conservative amino acid substitution, which is not likely to impact secondary protein structure as these residues share similar properties. Therefore, based on the currently available information, it is unclear whether this variant is a pathogenic variant or a rare benign variant.

NM_012309.5(SHANK2):c.680G>A (p.Arg227His)

Gene: SHANK2 (SH3 and multiple ankyrin repeat domains 2; minus strand). Cytogenetic location: 11q13.4.
Variant type: single nucleotide variant.
Coding change: c.680G>A on transcript NM_012309.5 (MANE Select); coding-DNA position 680, G replaced by A.
Protein change: p.Arg227His; replaces arginine 227 with histidine.
Molecular consequence: missense variant.
Genome position (GRCh38, 1-based): chr11:71,094,601, C>T on the plus strand (G>A on the coding strand, the complement: SHANK2 is on the minus strand). VCF-style: chr11-71094601-C-T. GRCh37 (hg19) VCF-style: chr11-70805647-C-T.
Other names: short protein forms R227H.
Identifiers: ClinVar variation 451239 (VCV000451239.2), dbSNP rs377072804, ClinGen allele CA6162090.
Genomic context (GRCh38, chr11:71,094,601, plus strand): 5'-AGGGCAACTTGGTTCCTCGCTCGGGCAGCTTTGTGTAGGGCGGTCATCCCATCTTTGGCA[C>T]GGAAGTCCAGGTGAGCTCCACCATTTTTGAGAGCTTTGATGACCTCCACAGAGTCGTCCA-3'
Protein context (NP_036441.2, residues 217-237): LKNGGAHLDF[Arg227His]AKDGMTALHK